The following is an entry in ClinVar:

NM_005876.5(SPEG):c.9046A>T (p.Thr3016Ser)

Genes: ASIC4-AS1 (ASIC4 antisense RNA 1; minus strand), SPEG (striated muscle enriched protein kinase; plus strand). Cytogenetic location: 2q35.
Variant type: single nucleotide variant.
Coding change: c.9046A>T on transcript NM_005876.5 (MANE Select); coding-DNA position 9046, A replaced by T.
Protein change: p.Thr3016Ser; replaces threonine 3016 with serine.
Molecular consequence: missense variant.
Genome position (GRCh38, 1-based): chr2:219,490,533, A>T. VCF-style: chr2-219490533-A-T. GRCh37 (hg19) VCF-style: chr2-220355255-A-T.
Other names: short protein forms T3016S.
Identifiers: ClinVar variation 1921218 (VCV001921218.5), dbSNP rs545450967, ClinGen allele CA2127657.

ClinVar aggregate classification (germline): Uncertain significance (1 of 4 stars; one submission).

Allele frequency attached by ClinVar (database versions not stated): ExAC 0.00001; gnomAD exomes 0.00001; TOPMed 0.00001; gnomAD 0.00002; 1000 Genomes Project 30x 0.00016; 1000 Genomes Project 0.00020.
gnomAD v4.1: 6 of 1,613,152 alleles (0.00037%); highest among the groups gnomAD compares: Admixed American, 0.01%; no homozygotes.

Submission:

Labcorp Genetics (formerly Invitae), Labcorp
Classification: Uncertain significance. Last evaluated: 2022-04-10. Review status: criteria provided, single submitter. Criteria: Invitae Variant Classification Sherloc (09022015). Collection method: clinical testing. Allele origin: germline.
Comment: This sequence change replaces threonine, which is neutral and polar, with serine, which is neutral and polar, at codon 3016 of the SPEG protein (p.Thr3016Ser). This variant is present in population databases (rs545450967, gnomAD 0.003%). This variant has not been reported in the literature in individuals affected with SPEG-related conditions. Algorithms developed to predict the effect of missense changes on protein structure and function output the following: SIFT: "Tolerated"; PolyPhen-2: "Benign"; Align-GVGD: "Class C0". The serine amino acid residue is found in multiple mammalian species, which suggests that this missense change does not adversely affect protein function. In summary, the available evidence is currently insufficient to determine the role of this variant in disease. Therefore, it has been classified as a Variant of Uncertain Significance.